The following is an entry in ClinVar:

ClinVar aggregate classification (germline): Likely pathogenic. Review status: criteria provided, multiple submitters, no conflicts (2 of 4 stars). 3 submissions from 3 submitters: Likely pathogenic (2). 1 of the submissions does not count toward it. Last evaluated 2024-07-12.

Conditions:
MPI-congenital disorder of glycosylation. Also called: MPI-CDG; MPI DEFICIENCY; CONGENITAL DISORDER OF GLYCOSYLATION, TYPE Ib; MANNOSEPHOSPHATE ISOMERASE DEFICIENCY; PROTEIN-LOSING ENTEROPATHY-HEPATIC FIBROSIS SYNDROME; CDG Ib. Identifiers: Orphanet 79319, MedGen C1865145, MONDO:0011257, OMIM 602579.

Submissions (3):

Natera, Inc.
Classification: Likely pathogenic for Congenital disorder of glycosylation type 1b. Last evaluated: 2024-07-12. Review status: criteria provided, single submitter. Criteria: Natera Variant Classification Schema (03/2026). Collection method: clinical testing. Allele origin: germline.
Comment: The c.120delC variant in MPI is a frameshift variant predicted to shift the reading frame beginning at codon 40 and leads to a stop codon 32 codons downstream. This variant is expected to result in nonsense mediated decay, truncation, or a dysfunctional protein product. This variant is rare in the general population with a frequency below the threshold expected for the associated phenotype(s). Given the available evidence, this variant is classified as Likely Pathogenic.

Fulgent Genetics
Classification: Likely pathogenic for MPI-congenital disorder of glycosylation. Last evaluated: 2024-02-15. Review status: criteria provided, single submitter. Criteria: ACMG Guidelines, 2015. Collection method: clinical testing. Allele origin: germline.

Counsyl
Classification: Likely pathogenic for MPI-congenital disorder of glycosylation. Last evaluated: 2016-02-02. Review status: no assertion criteria provided. Collection method: clinical testing. Allele origin: unknown. Not counted in ClinVar's aggregate classification.

NM_002435.3(MPI):c.120del (p.Ile40fs)

Gene: MPI (mannose phosphate isomerase; plus strand). Cytogenetic location: 15q24.1.
Variant type: Deletion.
Coding change: c.120del on transcript NM_002435.3 (MANE Select); coding-DNA position 120, one base deleted (C; older notation c.120delC).
Protein change: p.Ile40fs; shifts the reading frame from isoleucine 40.
Molecular consequence: frameshift variant. On other transcripts: intron variant (1).
Genome position (GRCh38, 1-based): chr15:74,890,630, C deleted. VCF-style (leftmost placement, unchanged base first): chr15-74890629-TC-T. GRCh37 (hg19) VCF-style: chr15-75182970-TC-T.
Other names: c.120del, p.Ile40fs (NM_001289155.2, NM_001289157.2); c.60del, p.Ile20fs (NM_001330372.2); c.-7+541del (NM_001289156.2); c.120delC (NM_002435.2); short protein forms I20fs, I40fs.
Identifiers: ClinVar variation 370410 (VCV000370410.7), dbSNP rs1057516466, ClinGen allele CA16041745.